The following is an entry in ClinVar:

ClinVar aggregate classification (germline): Conflicting classifications of pathogenicity. Review status: criteria provided, conflicting classifications (1 of 4 stars). 8 submissions from 8 submitters: Uncertain significance (1); Benign (3); Likely benign (4). Last evaluated 2026-01-27.

Conditions:
Cardiomyopathy (CMYO). Also called: Cardiomyopathies. Identifiers: Orphanet 167848, MedGen C0878544, MONDO:0004994, HP:0001638. Inheritance: Various modes of inheritance.
Dilated cardiomyopathy 1AA (CMD1AA). Also called: CARDIOMYOPATHY, DILATED, 1AA, WITH OR WITHOUT LEFT VENTRICULAR NONCOMPACTION; CARDIOMYOPATHY, FAMILIAL HYPERTROPHIC, 23, WITH OR WITHOUT LEFT VENTRICULAR NONCOMPACTION; Cardiomyopathy, dilated, 1AA, with or without LVNC. Identifiers: Orphanet 154, MedGen C2677338, MONDO:0012808, OMIM 612158.
Primary familial hypertrophic cardiomyopathy (HCM). Identifiers: Orphanet 99739, MedGen C0949658, MeSH D024741, MONDO:0024573. Inheritance: Various modes of inheritance.

Allele frequency attached by ClinVar (database versions not stated): TOPMed 0.00050; gnomAD exomes 0.00004 and 0.00011; ExAC 0.00016; 1000 Genomes Project 30x 0.00031; ESP Exome Variant Server 0.00038; 1000 Genomes Project 0.00040; gnomAD 0.00044 and 0.00048.

Submissions (8):

Labcorp Genetics (formerly Invitae), Labcorp
Classification: Benign for Primary familial hypertrophic cardiomyopathy; Dilated cardiomyopathy 1AA. Last evaluated: 2026-01-27. Review status: criteria provided, single submitter. Criteria: Invitae Variant Classification Sherloc (09022015). Collection method: clinical testing. Allele origin: germline.

Women's Health and Genetics/Laboratory Corporation of America, LabCorp
Classification: Benign. Last evaluated: 2025-12-11. Review status: criteria provided, single submitter. Criteria: LabCorp Variant Classification Summary - May 2015. Collection method: clinical testing. Allele origin: germline.

Molecular Diagnostic Laboratory for Inherited Cardiovascular Disease, Montreal Heart Institute
Classification: Likely benign. Last evaluated: 2025-04-09. Review status: criteria provided, single submitter. Criteria: ACMG Guidelines, 2015. Collection method: clinical testing. Allele origin: germline. Affected: no.

Blueprint Genetics
Classification: Likely benign. Last evaluated: 2022-06-20. Review status: criteria provided, single submitter. Criteria: ACMG Guidelines, 2015. Collection method: clinical testing. Allele origin: germline.

Illumina Laboratory Services, Illumina
Classification: Uncertain significance for Dilated cardiomyopathy 1AA. Last evaluated: 2018-01-12. Review status: criteria provided, single submitter. Criteria: ICSL Variant Classification Criteria 13 December 2019. Collection method: clinical testing. Allele origin: germline.

CHEO Genetics Diagnostic Laboratory, Children's Hospital of Eastern Ontario
Classification: Likely benign for Cardiomyopathy. Last evaluated: 2017-09-22. Review status: criteria provided, single submitter. Criteria: ACMG Guidelines, 2015. Collection method: clinical testing. Allele origin: germline. Study: Canadian Open Genetics Repository.

Laboratory for Molecular Medicine, Mass General Brigham Personalized Medicine
Classification: Likely benign. Last evaluated: 2017-08-10. Review status: criteria provided, single submitter. Criteria: LMM Criteria. Collection method: clinical testing. Allele origin: germline. Observed: 3 variant alleles.
Comment: c.2367+8A>G in intron 19 of ACTN2: This variant is not expected to have clinical significance because it is not located within the splice consensus sequence. It has been identified in 0.12% (29/24040) of African chromosomes by the Genome Ag gregation Database (gnomAD; dbSNP rs112714025 ).

GeneDx
Classification: Benign. Last evaluated: 2015-06-29. Review status: criteria provided, single submitter. Criteria: GeneDx Variant Classification (06012015). Collection method: clinical testing. Allele origin: germline. Affected: yes.
Comment: This variant is considered likely benign or benign based on one or more of the following criteria: it is a conservative change, it occurs at a poorly conserved position in the protein, it is predicted to be benign by multiple in silico algorithms, and/or has population frequency not consistent with disease.

NM_001103.4(ACTN2):c.2367+8A>G

Gene: ACTN2 (actinin alpha 2; plus strand). Cytogenetic location: 1q43.
Variant type: single nucleotide variant.
Coding change: c.2367+8A>G on transcript NM_001103.4 (MANE Select); 8 bases into the intron after coding-DNA position 2367, A replaced by G.
Molecular consequence: intron variant.
Genome position (GRCh38, 1-based): chr1:236,759,797, A>G. VCF-style: chr1-236759797-A-G. GRCh37 (hg19) VCF-style: chr1-236923097-A-G.
Other names: c.1743+8A>G (NM_001278344.2); c.2367+8A>G (NM_001278343.2).
Identifiers: ClinVar variation 162743 (VCV000162743.23), dbSNP rs112714025, ClinGen allele CA175235.